The following is an entry in ClinVar:

NM_145868.2(ANXA11):c.774G>A (p.Leu258=)

Gene: ANXA11 (annexin A11; minus strand). Cytogenetic location: 10q22.3.
Variant type: single nucleotide variant.
Coding change: c.774G>A on transcript NM_145868.2 (MANE Select); coding-DNA position 774, G replaced by A.
Protein change: p.Leu258=; no amino-acid change (leucine 258 retained).
Molecular consequence: synonymous variant.
Genome position (GRCh38, 1-based): chr10:80,166,168, C>T on the plus strand (G>A on the coding strand, the complement: ANXA11 is on the minus strand). VCF-style: chr10-80166168-C-T. GRCh37 (hg19) VCF-style: chr10-81925924-C-T.
Other names: c.774G>A, p.Leu258= (NM_001157.3, NM_001278407.2, NM_001278408.2 and 1 more transcripts); c.675G>A, p.Leu225= (NM_001278409.2).
Identifiers: ClinVar variation 1606100 (VCV001606100.16), dbSNP rs750407081, ClinGen allele CA5576119.
Genomic context (GRCh38, chr10:80,166,168, plus strand): 5'-AATGTCAAAGAGGACTGGGGTCTTCATCAGAGCCAAGATTGTCTTCTCAAAGTTTCCTGA[C>T]AGTTCAGATTTCAGATCTTTGATCAAATCCTGATTGGATATTCAAACAAACAACCAACAA-3'
Protein context (NP_665875.1, residues 248-268): KDLIKDLKSE[Leu258=]SGNFEKTILA

ClinVar aggregate classification (germline): Likely benign. Review status: criteria provided, multiple submitters, no conflicts (2 of 4 stars). 2 submissions from 2 submitters: Likely benign (2). Last evaluated 2025-08-10.

Allele frequency attached by ClinVar (database versions not stated): gnomAD 0.00003; TOPMed 0.00003; gnomAD exomes 0.00004 and 0.00007; ExAC 0.00006.
gnomAD v4.1: 68 of 1,611,474 alleles (0.0042%); highest among the groups gnomAD compares: Non-Finnish European, 0.0054%; no homozygotes.

Submissions (2):

Labcorp Genetics (formerly Invitae), Labcorp
Classification: Likely benign. Last evaluated: 2025-08-10. Review status: criteria provided, single submitter. Criteria: Invitae Variant Classification Sherloc (09022015). Collection method: clinical testing. Allele origin: germline.

CeGaT Center for Human Genetics Tuebingen
Classification: Likely benign. Last evaluated: 2025-06-01. Review status: criteria provided, single submitter. Criteria: CeGaT Center For Human Genetics Tuebingen Variant Classification Criteria Version 2. Collection method: clinical testing. Allele origin: germline. Affected: yes. Observed: 1 variant allele.
Comment: ANXA11: BP4, BP7